The following is an entry in ClinVar:

NM_000051.4(ATM):c.527T>A (p.Leu176Gln)

Gene: ATM (ATM serine/threonine kinase; plus strand). Cytogenetic location: 11q22.3.
Variant type: single nucleotide variant.
Coding change: c.527T>A on transcript NM_000051.4 (MANE Select); coding-DNA position 527, T replaced by A.
Protein change: p.Leu176Gln; replaces leucine 176 with glutamine.
Molecular consequence: missense variant.
Genome position (GRCh38, 1-based): chr11:108,243,983, T>A. VCF-style: chr11-108243983-T-A. GRCh37 (hg19) VCF-style: chr11-108114710-T-A.
Other names: c.527T>A, p.Leu176Gln (NM_001351834.2); short protein forms L176Q.
Identifiers: ClinVar variation 453572 (VCV000453572.15), dbSNP rs1555066315, ClinGen allele CA382527570.
Genomic context (GRCh38, chr11:108,243,983, plus strand): 5'-CATGACTAATAATTTTTTTTTTTTTTTAAGAATTGTTCTCTGTGTACTTCAGGCTCTATC[T>A]GAAACCTTCACAAGATGTTCATAGAGTTTTAGTGGCTAGAATAATTCATGCTGTTACCAA-3'
Protein context (NP_000042.3, residues 166-186): ELFSVYFRLY[Leu176Gln]KPSQDVHRVL

ClinVar aggregate classification (germline): Uncertain significance. Review status: criteria provided, multiple submitters, no conflicts (2 of 4 stars). 4 submissions from 4 submitters: Uncertain significance (4). Last evaluated 2025-07-17.

Conditions:
Hereditary cancer-predisposing syndrome. Also called: Tumor predisposition; Hereditary Cancer Syndrome; Neoplastic Syndromes, Hereditary; Hereditary neoplastic syndrome. Identifiers: Orphanet 140162, MedGen C0027672, MeSH D009386, MONDO:0015356.
Ataxia-telangiectasia syndrome (AT). Also called: Cerebello-oculocutaneous telangiectasia; Immunodeficiency with ataxia telangiectasia; Ataxia-telangiectasia, complementation group D; AT, COMPLEMENTATION GROUP C; Ataxia-telangiectasia, complementation group E; LOUIS-BAR SYNDROME. Identifiers: Orphanet 100, MedGen C0004135, MONDO:0008840, OMIM 208900.

Allele frequency attached by ClinVar (database versions not stated): gnomAD exomes below 0.00001.
gnomAD v4.1: 1 of 1,607,378 alleles (0.000062%); highest among the groups gnomAD compares: Middle Eastern, 0.017%; no homozygotes.

Submissions (4):

Labcorp Genetics (formerly Invitae), Labcorp
Classification: Uncertain significance for Ataxia-telangiectasia syndrome. Last evaluated: 2025-07-17. Review status: criteria provided, single submitter. Criteria: Invitae Variant Classification Sherloc (09022015). Collection method: clinical testing. Allele origin: germline.
Comment: This sequence change replaces leucine, which is neutral and non-polar, with glutamine, which is neutral and polar, at codon 176 of the ATM protein (p.Leu176Gln). This variant is not present in population databases (gnomAD no frequency). This variant has not been reported in the literature in individuals affected with ATM-related conditions. ClinVar contains an entry for this variant (Variation ID: 453572). Invitae Evidence Modeling of protein sequence and biophysical properties (such as structural, functional, and spatial information, amino acid conservation, physicochemical variation, residue mobility, and thermodynamic stability) indicates that this missense variant is not expected to disrupt ATM protein function with a negative predictive value of 95%. RNA analysis performed to evaluate the impact of this missense change on mRNA splicing indicates it does not significantly alter splicing (internal data). In summary, the available evidence is currently insufficient to determine the role of this variant in disease. Therefore, it has been classified as a Variant of Uncertain Significance.

Ambry Genetics
Classification: Uncertain significance for Hereditary cancer-predisposing syndrome. Last evaluated: 2024-09-24. Review status: criteria provided, single submitter. Criteria: Ambry Variant Classification Scheme 2023. Collection method: clinical testing. Allele origin: germline.
Comment: The p.L176Q variant (also known as c.527T>A), located in coding exon 5 of the ATM gene, results from a T to A substitution at nucleotide position 527. The leucine at codon 176 is replaced by glutamine, an amino acid with dissimilar properties. This amino acid position is well conserved in available vertebrate species. In addition, the in silico prediction for this alteration is inconclusive. Based on the available evidence, the clinical significance of this variant remains unclear.

Color Diagnostics, LLC DBA Color Health
Classification: Uncertain significance for Hereditary cancer-predisposing syndrome. Last evaluated: 2024-03-06. Review status: criteria provided, single submitter. Criteria: ACMG Guidelines, 2015. Collection method: clinical testing. Allele origin: germline.
Comment: This missense variant replaces leucine with glutamine at codon 176 of the ATM protein. Computational prediction suggests that this variant may not impact protein structure and function (internally defined REVEL score threshold <= 0.5, PMID: 27666373). To our knowledge, functional studies have not been reported for this variant. This variant has not been reported in individuals affected with hereditary cancer in the literature. This variant has not been identified in the general population by the Genome Aggregation Database (gnomAD). The available evidence is insufficient to determine the role of this variant in disease conclusively. Therefore, this variant is classified as a Variant of Uncertain Significance.

GeneDx
Classification: Uncertain significance. Last evaluated: 2023-05-08. Review status: criteria provided, single submitter. Criteria: GeneDx Variant Classification Process June 2021. Collection method: clinical testing. Allele origin: germline. Affected: yes.
Comment: Not observed at significant frequency in large population cohorts (gnomAD); In silico analysis supports that this missense variant has a deleterious effect on protein structure/function; Has not been previously published as pathogenic or benign to our knowledge